The following is an entry in ClinVar:

NM_002691.4(POLD1):c.2429C>T (p.Ala810Val)

Gene: POLD1 (DNA polymerase delta 1, catalytic subunit; plus strand). Cytogenetic location: 19q13.33.
Variant type: single nucleotide variant.
Coding change: c.2429C>T on transcript NM_002691.4 (MANE Select); coding-DNA position 2429, C replaced by T.
Protein change: p.Ala810Val; replaces alanine 810 with valine.
Molecular consequence: missense variant. On other transcripts: non-coding transcript variant (1).
Genome position (GRCh38, 1-based): chr19:50,414,855, C>T. VCF-style: chr19-50414855-C-T. GRCh37 (hg19) VCF-style: chr19-50918112-C-T.
Other names: c.2429C>T, p.Ala810Val (NM_001256849.1); c.2507C>T, p.Ala836Val (NM_001308632.1); short protein forms A810V, A836V.
Identifiers: ClinVar variation 408118 (VCV000408118.29), dbSNP rs765981178, ClinGen allele CA9596519.

ClinVar aggregate classification (germline): Conflicting classifications of pathogenicity. Review status: criteria provided, conflicting classifications (1 of 4 stars). 8 submissions from 8 submitters: Uncertain significance (6); Benign (1). 1 of the submissions does not count toward it. Last evaluated 2026-01-27.

Conditions:
POLD1-related polyposis and colorectal cancer syndrome (CRCS10). Also called: Colorectal cancer, susceptibility to, 10; Colorectal cancer 10; COLORECTAL CANCER, SUSCEPTIBILITY TO, ON CHROMOSOME 19q. Identifiers: Orphanet 220460, MedGen C2675481, MONDO:0012953, OMIM 612591.
Hereditary cancer-predisposing syndrome. Also called: Neoplastic Syndromes, Hereditary; Hereditary neoplastic syndrome; Hereditary Cancer Syndrome; Tumor predisposition. Identifiers: Orphanet 140162, MedGen C0027672, MeSH D009386, MONDO:0015356.
Immunodeficiency 120. Identifiers: MedGen C5935622, MONDO:0970994, OMIM 620836.
Mandibular hypoplasia-deafness-progeroid syndrome. Also called: Mandibular hypoplasia, deafness, progeroid features, and lipodystrophy syndrome. Identifiers: Orphanet 363649, MedGen C3715192, MONDO:0014157, OMIM 615381.

Allele frequency attached by ClinVar (database versions not stated): TOPMed 0.00002; gnomAD 0.00003 and 0.00004; gnomAD exomes 0.00007 and 0.00015; ExAC 0.00008.
gnomAD v4.1: 210 of 1,598,444 alleles (0.013%); highest among the groups gnomAD compares: Non-Finnish European, 0.018%; no homozygotes.

Submissions (8):

Labcorp Genetics (formerly Invitae), Labcorp
Classification: Uncertain significance for POLD1-related polyposis and colorectal cancer syndrome. Last evaluated: 2026-01-27. Review status: criteria provided, single submitter. Criteria: Invitae Variant Classification Sherloc (09022015). Collection method: clinical testing. Allele origin: germline.
Comment: This sequence change replaces alanine, which is neutral and non-polar, with valine, which is neutral and non-polar, at codon 810 of the POLD1 protein (p.Ala810Val). This variant is present in population databases (rs765981178, gnomAD 0.01%). This missense change has been observed in individual(s) with POLD1-related cancer (PMID: 26748215, 32792570, 35430768). ClinVar contains an entry for this variant (Variation ID: 408118). Invitae Evidence Modeling of protein sequence and biophysical properties (such as structural, functional, and spatial information, amino acid conservation, physicochemical variation, residue mobility, and thermodynamic stability) indicates that this missense variant is expected to disrupt POLD1 protein function with a positive predictive value of 80%. In summary, the available evidence is currently insufficient to determine the role of this variant in disease. Therefore, it has been classified as a Variant of Uncertain Significance.

Center for Genomic Medicine, Rigshospitalet, Copenhagen University Hospital
Classification: Uncertain significance. Last evaluated: 2025-12-29. Review status: criteria provided, single submitter. Criteria: ACMG Guidelines, 2015. Collection method: clinical testing. Allele origin: germline.

GeneDx
Classification: Uncertain significance. Last evaluated: 2025-07-02. Review status: criteria provided, single submitter. Criteria: GeneDx Variant Classification Process June 2021. Collection method: clinical testing. Allele origin: germline. Affected: yes.
Comment: In silico analysis supports that this missense variant has a deleterious effect on protein structure/function; Observed in individuals with endometrial or breast cancer, as well as individuals with autism spectrum disorder (PMID: 26748215, 30306255, 31133750, 35982159); Also known as c.2507C>T; p.(Ala836Val); This variant is associated with the following publications: (PMID: 30306255, 25363768, 26748215, 21796119, 34011629, 31785789, 20951805, 35982159, 33057194, 31133750)

Women's Health and Genetics/Laboratory Corporation of America, LabCorp
Classification: Uncertain significance. Last evaluated: 2025-04-02. Review status: criteria provided, single submitter. Criteria: LabCorp Variant Classification Summary - May 2015. Collection method: clinical testing. Allele origin: germline.
Comment: Variant summary: POLD1 c.2429C>T (p.Ala810Val) results in a non-conservative amino acid change located in the DNA-directed DNA polymerase, family B, multifunctional domain of the encoded protein sequence. Four of five in-silico tools predict a damaging effect of the variant on protein function. The variant allele was found at a frequency of 7.4e-05 in 242536 control chromosomes (gnomAD). The observed variant frequency is approximately 5fold of the estimated maximal expected allele frequency for a pathogenic variant in POLD1 causing Colorectal Cancer phenotype (1.4e-05). c.2429C>T has been reported in the literature in individuals with different types of cancers including endometrial, breast, urinary and colorectal cancers (Wong_2016, Bonache_2018, Mur_2020, Svensoon_2022). These report(s) do not provide unequivocal conclusions about association of the variant with Colorectal Cancer. To our knowledge, no experimental evidence demonstrating an impact on protein function has been reported. The following publications have been ascertained in the context of this evaluation (PMID: 26748215, 30306255, 32792570, 35430768). ClinVar contains an entry for this variant (Variation ID: 408118). Based on the evidence outlined above, the variant was classified as VUS-possibly benign.

Ambry Genetics
Classification: Uncertain significance for Hereditary cancer-predisposing syndrome. Last evaluated: 2024-09-06. Review status: criteria provided, single submitter. Criteria: Ambry Variant Classification Scheme 2023. Collection method: clinical testing. Allele origin: germline.
Comment: The p.A810V variant (also known as c.2429C>T), located in coding exon 19 of the POLD1 gene, results from a C to T substitution at nucleotide position 2429. The alanine at codon 810 is replaced by valine, an amino acid with similar properties. This amino acid position is highly conserved in available vertebrate species. In addition, the in silico prediction for this alteration is inconclusive. Based on the available evidence, the clinical significance of this variant remains unclear.

Fulgent Genetics
Classification: Uncertain significance for POLD1-related polyposis and colorectal cancer syndrome; Mandibular hypoplasia-deafness-progeroid syndrome; Immunodeficiency 120. Last evaluated: 2024-05-21. Review status: criteria provided, single submitter. Criteria: ACMG Guidelines, 2015. Collection method: clinical testing. Allele origin: germline.

Sema4
Classification: Benign for Hereditary cancer-predisposing syndrome. Last evaluated: 2020-11-27. Review status: criteria provided, single submitter. Criteria: Sema4 Curation Guidelines. Collection method: curation. Allele origin: germline.

Counsyl
Classification: Uncertain significance for POLD1-related polyposis and colorectal cancer syndrome. Last evaluated: 2017-07-27. Review status: no assertion criteria provided. Collection method: clinical testing. Allele origin: unknown. Not counted in ClinVar's aggregate classification.

Literature cited by the submitters: PubMed 26748215 (cited by 4 submitters); PubMed 32792570 (cited by Labcorp Genetics (formerly Invitae), Labcorp and Women's Health and Genetics/Laboratory Corporation of America, LabCorp); PubMed 35430768 (cited by Labcorp Genetics (formerly Invitae), Labcorp and Women's Health and Genetics/Laboratory Corporation of America, LabCorp); PubMed 30306255 (cited by Women's Health and Genetics/Laboratory Corporation of America, LabCorp and Sema4).